The following is an entry in ClinVar:

ClinVar aggregate classification (germline): Uncertain significance (1 of 4 stars; one submission).

Conditions:
Familial cancer of breast. Also called: hereditary breast carcinoma; BREAST CANCER, FAMILIAL; Hereditary breast cancer. Identifiers: Orphanet 227535, MedGen C0346153, MONDO:0016419, OMIM 114480. Disease mechanism: loss of function.

Submission:

Labcorp Genetics (formerly Invitae), Labcorp
Classification: Uncertain significance for Familial cancer of breast. Last evaluated: 2025-05-13. Review status: criteria provided, single submitter. Criteria: Invitae Variant Classification Sherloc (09022015). Collection method: clinical testing. Allele origin: germline.
Comment: This sequence change replaces asparagine, which is neutral and polar, with isoleucine, which is neutral and non-polar, at codon 105 of the CHEK2 protein (p.Asn105Ile). This variant is not present in population databases (gnomAD no frequency). This variant has not been reported in the literature in individuals affected with CHEK2-related conditions. An algorithm developed to predict the effect of missense changes on protein structure and function (PolyPhen-2) suggests that this variant is likely to be tolerated. In summary, the available evidence is currently insufficient to determine the role of this variant in disease. Therefore, it has been classified as a Variant of Uncertain Significance.

NM_007194.4(CHEK2):c.314A>T (p.Asn105Ile)

Gene: CHEK2 (checkpoint kinase 2; minus strand). Cytogenetic location: 22q12.1.
Variant type: single nucleotide variant.
Coding change: c.314A>T on transcript NM_007194.4 (MANE Select); coding-DNA position 314, A replaced by T.
Protein change: p.Asn105Ile; replaces asparagine 105 with isoleucine.
Molecular consequence: missense variant. On other transcripts: 5 prime UTR variant (1), intron variant (1).
Genome position (GRCh38, 1-based): chr22:28,734,408, T>A on the plus strand (A>T on the coding strand, the complement: CHEK2 is on the minus strand). VCF-style: chr22-28734408-T-A. GRCh37 (hg19) VCF-style: chr22-29130396-T-A.
Other names: c.314A>T, p.Asn105Ile (NM_001005735.3, NM_001349956.3, NM_001438293.1 and 3 more transcripts); c.-464A>T (NM_001257387.3); c.-345+7361A>T (NM_001437942.1); short protein forms N105I.
Identifiers: ClinVar variation 4719083 (VCV004719083.1).
Genomic context (GRCh38, chr22:28,734,408, plus strand): 5'-TTTCTGTAAGTGTTTTTCTGAACAAAACGTGATACTATACAACAAAGGGTCTTACCAAGA[T>A]TGGCAAATCCATCCTGAAGGGCCCATAATCGAGCCCAGGGGGCAGGGGTAGGCTCCTCAG-3'
Protein context (NP_009125.1, residues 95-115): RLWALQDGFA[Asn105Ile]LECVNDNYWF